The following is an entry in ClinVar:

ClinVar aggregate classification (germline): Likely pathogenic (1 of 4 stars; one submission).

Conditions:
Leber congenital amaurosis (LCA). Also called: Leber's amaurosis. Identifiers: Orphanet 65, MedGen C0339527, MeSH D057130, MONDO:0018998.

Submission:

Natera, Inc.
Classification: Likely pathogenic for Leber congenital amaurosis. Last evaluated: 2025-10-02. Review status: criteria provided, single submitter. Criteria: Natera Variant Classification Schema (03/2026). Collection method: clinical testing. Allele origin: germline.
Comment: The c.3104-1G>C variant in CEP290 is a canonical splice acceptor site variant predicted to affect pre-mRNA splicing, which may result in an abnormal transcript and altered protein product. This variant is expected to result in nonsense mediated decay, truncation, or a dysfunctional protein product. This variant is rare in the general population with a frequency below the threshold expected for the associated phenotype(s). Given the available evidence, this variant is classified as Likely Pathogenic.

NM_025114.4(CEP290):c.3104-1G>C

Gene: CEP290 (centrosomal protein 290; minus strand). Cytogenetic location: 12q21.32.
Variant type: single nucleotide variant.
Coding change: c.3104-1G>C on transcript NM_025114.4 (MANE Select); the canonical splice acceptor site of the intron before coding-DNA position 3104, G replaced by C.
Molecular consequence: splice acceptor variant.
Genome position (GRCh38, 1-based): chr12:88,093,976, C>G on the plus strand (G>C on the coding strand, the complement: CEP290 is on the minus strand). VCF-style: chr12-88093976-C-G. GRCh37 (hg19) VCF-style: chr12-88487753-C-G.
Identifiers: ClinVar variation 4816205 (VCV004816205.1).